The following is an entry in ClinVar:

NM_000186.4(CFH):c.2965T>C (p.Cys989Arg)

Gene: CFH (complement factor H; plus strand). Cytogenetic location: 1q31.3.
Variant type: single nucleotide variant.
Coding change: c.2965T>C on transcript NM_000186.4 (MANE Select); coding-DNA position 2965, T replaced by C.
Protein change: p.Cys989Arg; replaces cysteine 989 with arginine.
Molecular consequence: missense variant.
Genome position (GRCh38, 1-based): chr1:196,741,883, T>C. VCF-style: chr1-196741883-T-C. GRCh37 (hg19) VCF-style: chr1-196711013-T-C.
Other names: short protein forms C989R.
Identifiers: ClinVar variation 4721980 (VCV004721980.1).

ClinVar aggregate classification (germline): Uncertain significance (1 of 4 stars; one submission).

Submission:

Labcorp Genetics (formerly Invitae), Labcorp
Classification: Uncertain significance. Last evaluated: 2025-06-23. Review status: criteria provided, single submitter. Criteria: Invitae Variant Classification Sherloc (09022015). Collection method: clinical testing. Allele origin: germline.
Comment: This sequence change replaces cysteine, which is neutral and slightly polar, with arginine, which is basic and polar, at codon 989 of the CFH protein (p.Cys989Arg). This variant is not present in population databases (gnomAD no frequency). This variant has not been reported in the literature in individuals affected with CFH-related conditions. An algorithm developed to predict the effect of missense changes on protein structure and function (PolyPhen-2) suggests that this variant is likely to be disruptive. In summary, the available evidence is currently insufficient to determine the role of this variant in disease. Therefore, it has been classified as a Variant of Uncertain Significance.